The following is an entry in ClinVar:

ClinVar aggregate classification (germline): Likely benign (1 of 4 stars; one submission).

Allele frequency attached by ClinVar (database versions not stated): TOPMed below 0.00001.

Submission:

CeGaT Center for Human Genetics Tuebingen
Classification: Likely benign. Last evaluated: 2022-12-01. Review status: criteria provided, single submitter. Criteria: CeGaT Center For Human Genetics Tuebingen Variant Classification Criteria Version 2. Collection method: clinical testing. Allele origin: germline. Affected: yes. Observed: 1 variant allele.
Comment: RNF8: PM2:Supporting, BP4, BP7

NM_003958.4(RNF8):c.120A>G (p.Val40=)

Gene: RNF8 (ring finger protein 8; plus strand). Cytogenetic location: 6p21.2.
Variant type: single nucleotide variant.
Coding change: c.120A>G on transcript NM_003958.4 (MANE Select); coding-DNA position 120, A replaced by G.
Protein change: p.Val40=; no amino-acid change (valine 40 retained).
Molecular consequence: synonymous variant. On other transcripts: non-coding transcript variant (1).
Genome position (GRCh38, 1-based): chr6:37,360,454, A>G. VCF-style: chr6-37360454-A-G. GRCh37 (hg19) VCF-style: chr6-37328230-A-G.
Other names: c.120A>G, p.Val40= (NM_183078.3).
Identifiers: ClinVar variation 2656524 (VCV002656524.24), dbSNP rs1769271799, ClinGen allele CA449987859.